The following is an entry in ClinVar:

ClinVar aggregate classification (germline): Uncertain significance (1 of 4 stars; one submission).

Conditions:
Developmental and epileptic encephalopathy, 78. Also called: EPILEPTIC ENCEPHALOPATHY, EARLY INFANTILE, 78. Identifiers: MedGen C5231409, MONDO:0032812, OMIM 618557.

Submission:

Victorian Clinical Genetics Services, Murdoch Childrens Research Institute
Classification: Uncertain significance for Developmental and epileptic encephalopathy, 78. Last evaluated: 2023-12-21. Review status: criteria provided, single submitter. Criteria: ACMG Guidelines, 2015. Collection method: clinical testing. Allele origin: germline. Inheritance: Autosomal dominant inheritance. Affected: yes.
Comment: Based on the classification scheme VCGS_Germline_v1.3.4, this variant is classified as VUS-3B. Following criteria are met: 0105 - The mechanism of disease for this gene is not clearly established. Functional studies on several missense variants have shown a significant reduction in GABA-induced current amplitudes and reduced protein levels and expression at the cell surface suggesting loss of function. However, dominant negative has not been ruled out and another study suggested the variant channels may be trapped in the open state, which could indicate a gain of function mechanism (PMIDs: 29961870, 31032849). (I) 0107 - This gene is associated with autosomal dominant disease. (I) 0201 - Variant is predicted to cause nonsense-mediated decay (NMD) and loss of protein (premature termination codon is located at least 54 nucleotides upstream of the final exon-exon junction). (SP) 0219 - This variant is non-coding in an alternative transcript. This variant is coding in the ClinVar predominant and MANE select transcript, and in the two transcripts with the highest expression in GTEx. However, it is non-coding in three alternative transcripts, and the reported pathogenic or likely pathogenic variants in this gene are coding in all transcripts (ClinVar, PMIDs: 29961870, 31032849). (I) 0251 - This variant is heterozygous. (I) 0301 - Variant is absent from gnomAD (both v2 and v3). (SP) 0708 - Other NMD-predicted variants comparable to the one identified in this case have conflicting previous evidence for pathogenicity. Three NMD-predicted variants are present in ClinVar. One is classified as pathogenic, while the other two are classified as VUS. One VUS was observed as de novo. (I) 0807 - This variant has no previous evidence of pathogenicity. (I) 0905 - No published segregation evidence has been identified for this variant. (I) 1007 - No published functional evidence has been identified for this variant. (I) 1208 - Inheritance information for this variant is not currently available in this individual. (I) Legend: (SP) - Supporting pathogenic, (I) - Information, (SB) - Supporting benign

Literature cited by the submitters: PubMed 29961870; PubMed 31032849.

NM_000807.4(GABRA2):c.55del (p.Val19fs)

Gene: GABRA2 (gamma-aminobutyric acid type A receptor subunit alpha2; minus strand). Cytogenetic location: 4p12.
Variant type: Deletion.
Coding change: c.55del on transcript NM_000807.4 (MANE Select); coding-DNA position 55, one base deleted (G; older notation c.55delG).
Protein change: p.Val19fs; shifts the reading frame from valine 19.
Molecular consequence: frameshift variant. On other transcripts: 5 prime UTR variant (4).
Genome position (GRCh38, 1-based): chr4:46,388,652, C deleted on the plus strand (G on the coding strand, the reverse complement: GABRA2 is on the minus strand); the first of 2 consecutive C bases (chr4:46,388,652-46,388,653); deleting either gives the same sequence. VCF-style (leftmost placement, unchanged base first): chr4-46388651-AC-A. GRCh37 (hg19) VCF-style: chr4-46390668-AC-A.
Other names: c.55del, p.Val19fs (NM_001114175.3, NM_001330690.2, NM_001377144.1 and 8 more transcripts); c.-43del (NM_001286827.3, NM_001377152.1, NM_001377153.1 and 1 more transcripts); short protein forms V19fs.
Identifiers: ClinVar variation 3254988 (VCV003254988.1), dbSNP rs2476234588.
Genomic context (GRCh38, chr4:46,388,651, plus strand): 5'-ATCTTTGCCCTGAATTAAAATAGTCAAATACAATAAATATCTCACCTGGCAGGGTCCCAC[AC>A]CAAGAAAACAAAAAGCAGGAACTGCATGTTGTAGATGTTCAATTTTGTCTTCATCACCGC-3'